The following is an entry in ClinVar:

NM_024753.5(TTC21B):c.1231C>T (p.Arg411Ter)

Gene: TTC21B (tetratricopeptide repeat domain 21B; minus strand). Cytogenetic location: 2q24.3.
Variant type: single nucleotide variant.
Coding change: c.1231C>T on transcript NM_024753.5 (MANE Select); coding-DNA position 1231, C replaced by T.
Protein change: p.Arg411Ter; replaces arginine 411 with a stop codon.
Molecular consequence: nonsense.
Genome position (GRCh38, 1-based): chr2:165,929,290, G>A on the plus strand (C>T on the coding strand, the complement: TTC21B is on the minus strand). VCF-style: chr2-165929290-G-A. GRCh37 (hg19) VCF-style: chr2-166785800-G-A.
Other names: short protein forms R411*.
Identifiers: ClinVar variation 30938 (VCV000030938.13), dbSNP rs185089786, ClinGen allele CA129549.
Genomic context (GRCh38, chr2:165,929,290, plus strand): 5'-CTAATTGTGAAAAGTGAGTGTCCAGGACATCATTTAACAAATTAATAACTTCTTCTTGTC[G>A]TTTATTTTTCTTCATGGCAAGAACTGCATGTAAATAGATTAATTCCTAGAAAATAAGTAG-3'

ClinVar aggregate classification (germline): Pathogenic/Likely pathogenic. Review status: criteria provided, multiple submitters, no conflicts (2 of 4 stars). 4 submissions from 4 submitters: Pathogenic (2); Likely pathogenic (1). 1 of the submissions does not count toward it. Last evaluated 2025-09-23.

Conditions:
TTC21B-related disorder. Also called: TTC21B-related condition; TTC21B-related disorders.
Jeune thoracic dystrophy. Also called: Jeune syndrome; Infantile thoracic dystrophy; Thoracic pelvic phalangeal dystrophy; Jeune's syndrome; Chondroectodermal dysplasia-like syndrome; Short-rib thoracic dysplasia. Identifiers: Orphanet 474, MedGen C0265275, MONDO:0018770.
Nephronophthisis. Also called: Juvenile Nephronophthisis. Identifiers: Orphanet 655, MedGen C0687120, MONDO:0019005, HP:0000090.
Asphyxiating thoracic dystrophy 4 (SRTD4). Also called: SHORT-RIB THORACIC DYSPLASIA 4 WITH OR WITHOUT POLYDACTYLY; SHORT-RIB THORACIC DYSPLASIA 4. Identifiers: Orphanet 474, MedGen C3151185, MONDO:0013441, OMIM 613819.

Allele frequency attached by ClinVar (database versions not stated): gnomAD 0.00003; TOPMed 0.00003.
gnomAD v4.1: 46 of 1,611,936 alleles (0.0029%); highest among the groups gnomAD compares: Admixed American, 0.0067%; no homozygotes.

Submissions (4):

GeneDx
Classification: Pathogenic. Last evaluated: 2025-09-23. Review status: criteria provided, single submitter. Criteria: GeneDx Variant Classification Process June 2021. Collection method: clinical testing. Allele origin: germline. Affected: yes.
Comment: Nonsense variant predicted to result in protein truncation or nonsense mediated decay in a gene for which loss of function is a known mechanism of disease; Not observed at significant frequency in large population cohorts (gnomAD); This variant is associated with the following publications: (PMID: 25525159, 21258341, 37230223)

Labcorp Genetics (formerly Invitae), Labcorp
Classification: Pathogenic for Jeune thoracic dystrophy; Nephronophthisis. Last evaluated: 2024-10-30. Review status: criteria provided, single submitter. Criteria: Invitae Variant Classification Sherloc (09022015). Collection method: clinical testing. Allele origin: germline.
Comment: This sequence change creates a premature translational stop signal (p.Arg411*) in the TTC21B gene. It is expected to result in an absent or disrupted protein product. Loss-of-function variants in TTC21B are known to be pathogenic (PMID: 18327258, 21068128, 21258341, 23559409, 24876116, 25492405, 27491411, 29068549). This variant is present in population databases (rs185089786, gnomAD 0.009%). This premature translational stop signal has been observed in individual(s) with Jeune asphyxiating thoracic dystrophy (PMID: 21258341). ClinVar contains an entry for this variant (Variation ID: 30938). For these reasons, this variant has been classified as Pathogenic.

Blueprint Genetics
Classification: Likely pathogenic for TTC21B-related disorders. Last evaluated: 2022-06-15. Review status: criteria provided, single submitter. Criteria: ACMG Guidelines, 2015. Collection method: clinical testing. Allele origin: germline. Affected: yes. Observed: 1 variant allele.

OMIM
Classification: Pathogenic for SHORT-RIB THORACIC DYSPLASIA 4. Last evaluated: 2011-03-01. Review status: no assertion criteria provided. Collection method: literature only. Allele origin: germline. Not counted in ClinVar's aggregate classification.

Literature cited by the submitters: PubMed 18327258 (cited by Labcorp Genetics (formerly Invitae), Labcorp); PubMed 21068128 (cited by Labcorp Genetics (formerly Invitae), Labcorp); PubMed 21258341 (cited by Labcorp Genetics (formerly Invitae), Labcorp and OMIM); PubMed 23559409 (cited by Labcorp Genetics (formerly Invitae), Labcorp); PubMed 24876116 (cited by Labcorp Genetics (formerly Invitae), Labcorp); PubMed 25492405 (cited by Labcorp Genetics (formerly Invitae), Labcorp); PubMed 27491411 (cited by Labcorp Genetics (formerly Invitae), Labcorp); PubMed 29068549 (cited by Labcorp Genetics (formerly Invitae), Labcorp).